The following is an entry in ClinVar:

NM_024426.6(WT1):c.1244T>C (p.Met415Thr)

Gene: WT1 (WT1 transcription factor; minus strand). Cytogenetic location: 11p13.
Variant type: single nucleotide variant.
Coding change: c.1244T>C on transcript NM_024426.6 (MANE Select); coding-DNA position 1244, T replaced by C.
Protein change: p.Met415Thr; replaces methionine 415 with threonine.
Molecular consequence: missense variant. On other transcripts: non-coding transcript variant (2).
Genome position (GRCh38, 1-based): chr11:32,396,277, A>G on the plus strand (T>C on the coding strand, the complement: WT1 is on the minus strand). VCF-style: chr11-32396277-A-G. GRCh37 (hg19) VCF-style: chr11-32417823-A-G.
Other names: c.1193T>C, p.Met398Thr (NM_000378.6, NM_001407045.1, NM_001407048.1 and 1 more transcripts); c.593T>C, p.Met198Thr (NM_001198551.2); c.542T>C, p.Met181Thr (NM_001198552.2); c.56T>C, p.Met19Thr (NM_001367854.1); c.1238T>C, p.Met413Thr (NM_001407044.1); c.1244T>C, p.Met415Thr (NM_001407046.1, NM_024424.5); c.1121T>C, p.Met374Thr (NM_001407047.1); c.1070T>C, p.Met357Thr (NM_001407050.1); and 3 more; short protein forms M198T, M325T, M374T, M410T, M415T, M161T, M181T, M19T.
Identifiers: ClinVar variation 5032031 (VCV005032031.1).

ClinVar aggregate classification (germline): Uncertain significance (1 of 4 stars; one submission).

Conditions:
Inborn genetic diseases. Identifiers: MedGen C0950123, MeSH D030342.

Submission:

Ambry Genetics
Classification: Uncertain significance for Inborn genetic diseases. Last evaluated: 2026-07-06. Review status: criteria provided, single submitter. Criteria: Ambry Variant Classification Scheme 2023. Collection method: clinical testing. Allele origin: germline.
Comment: The p.M410T variant (also known as c.1229T>C), located in coding exon 7 of the WT1 gene, results from a T to C substitution at nucleotide position 1229. The methionine at codon 410 is replaced by threonine, an amino acid with similar properties. This amino acid position is conserved. In addition, the in silico prediction for this alteration is inconclusive. Based on the available evidence, the clinical significance of this variant remains unclear.